The following is an entry in ClinVar:

ClinVar aggregate classification (germline): Likely pathogenic (1 of 4 stars; one submission).

Conditions:
Dyskeratosis congenita, autosomal recessive 6 (DKCB6). Identifiers: MedGen C4225356, MONDO:0014600, OMIM 616353.
Pulmonary fibrosis and/or bone marrow failure, Telomere-related, 4. Also called: PULMONARY FIBROSIS AND/OR BONE MARROW FAILURE SYNDROME, TELOMERE-RELATED, 4. Identifiers: Orphanet 2032, MedGen C4225347, MONDO:0014612, OMIM 616371.

Submission:

Labcorp Genetics (formerly Invitae), Labcorp
Classification: Likely pathogenic for Dyskeratosis congenita, autosomal recessive 6; Pulmonary fibrosis and/or bone marrow failure, Telomere-related, 4. Last evaluated: 2023-05-05. Review status: criteria provided, single submitter. Criteria: Invitae Variant Classification Sherloc (09022015). Collection method: clinical testing. Allele origin: germline.
Comment: In summary, the currently available evidence indicates that the variant is pathogenic, but additional data are needed to prove that conclusively. Therefore, this variant has been classified as Likely Pathogenic. Algorithms developed to predict the effect of sequence changes on RNA splicing suggest that this variant may disrupt the consensus splice site. This variant has not been reported in the literature in individuals affected with PARN-related conditions. This variant is not present in population databases (gnomAD no frequency). This sequence change affects a donor splice site in intron 18 of the PARN gene. It is expected to disrupt RNA splicing. Variants that disrupt the donor or acceptor splice site typically lead to a loss of protein function (PMID: 16199547), and loss-of-function variants in PARN are known to be pathogenic (PMID: 9736620, 25848748, 26810774).

Literature cited by the submitters: PubMed 16199547; PubMed 9736620; PubMed 25848748; PubMed 26810774.

NM_002582.4(PARN):c.1262+2T>C

Gene: PARN (poly(A)-specific ribonuclease; minus strand). Cytogenetic location: 16p13.12.
Variant type: single nucleotide variant.
Coding change: c.1262+2T>C on transcript NM_002582.4 (MANE Select); the canonical splice donor site of the intron after coding-DNA position 1262, T replaced by C.
Molecular consequence: splice donor variant.
Genome position (GRCh38, 1-based): chr16:14,580,872, A>G on the plus strand (T>C on the coding strand, the complement: PARN is on the minus strand). VCF-style: chr16-14580872-A-G. GRCh37 (hg19) VCF-style: chr16-14674729-A-G.
Other names: c.1079+2T>C (NM_001134477.3); c.1124+2T>C (NM_001242992.2).
Identifiers: ClinVar variation 2947408 (VCV002947408.3), dbSNP rs2507816770, ClinGen allele CA394821495.